The following is an entry in ClinVar:

NM_003482.4(KMT2D):c.8229+1G>A

Gene: KMT2D (lysine methyltransferase 2D; minus strand). Cytogenetic location: 12q13.12.
Variant type: single nucleotide variant.
Coding change: c.8229+1G>A on transcript NM_003482.4 (MANE Select); the canonical splice donor site of the intron after coding-DNA position 8229, G replaced by A.
Molecular consequence: splice donor variant.
Genome position (GRCh38, 1-based): chr12:49,039,434, C>T on the plus strand (G>A on the coding strand, the complement: KMT2D is on the minus strand). VCF-style: chr12-49039434-C-T. GRCh37 (hg19) VCF-style: chr12-49433217-C-T.
Other names: NC_000012.11:g.49433217C>T.
Identifiers: ClinVar variation 637040 (VCV000637040.2), dbSNP rs1592133086, ClinGen allele CA384743234.

ClinVar aggregate classification (germline): Pathogenic (1 of 4 stars; one submission).

Conditions:
Kabuki syndrome 1 (KABUK1). Also called: KMT2D-Related Kabuki Syndrome. Identifiers: Orphanet 2322, MedGen CN030661, MONDO:0007843, OMIM 147920.

Submissions (2):

Laboratory of Medical Genetics, National & Kapodistrian University of Athens
Classification: Pathogenic for Kabuki syndrome 1. Last evaluated: 2018-05-24. Review status: criteria provided, single submitter. Criteria: ACMG Guidelines, 2015. Collection method: clinical testing. Allele origin: de novo. Affected: yes.
Comment: PVS1,PM2,PP3

Dr. Peter K. Rogan Lab, Western University
No classification provided (evidence only). Condition: Malignant tumor of urinary bladder. Review status: no classification provided. Collection method: in vitro. Allele origin: not applicable. Functional consequence: retained intron. Not counted in ClinVar's aggregate classification.